The following is an entry in ClinVar:

NM_002693.3(POLG):c.658T>A (p.Trp220Arg)

Genes: POLG (DNA polymerase gamma, catalytic subunit; minus strand), POLGARF (POLG alternative reading frame; minus strand). Cytogenetic location: 15q26.1.
Variant type: single nucleotide variant.
Coding change: c.658T>A on transcript NM_002693.3 (MANE Select); coding-DNA position 658, T replaced by A.
Protein change: p.Trp220Arg; replaces tryptophan 220 with arginine.
Molecular consequence: missense variant.
Genome position (GRCh38, 1-based): chr15:89,333,097, A>T on the plus strand (T>A on the coding strand, the complement: POLG is on the minus strand). VCF-style: chr15-89333097-A-T. GRCh37 (hg19) VCF-style: chr15-89876328-A-T.
Other names: c.713T>A, p.Leu238Gln (NM_001430120.1); c.658T>A, p.Trp220Arg (NM_001126131.2); short protein forms L238Q, W220R.
Identifiers: ClinVar variation 4729369 (VCV004729369.1).

ClinVar aggregate classification (germline): Uncertain significance (1 of 4 stars; one submission).

Conditions:
Progressive sclerosing poliodystrophy (MTDPS4A). Also called: Mitochondrial DNA depletion syndrome 4A (Alpers type); ALPERS PROGRESSIVE INFANTILE POLIODYSTROPHY; NEURONAL DEGENERATION OF CHILDHOOD WITH LIVER DISEASE, PROGRESSIVE; Alpers Syndrome; ALPERS DIFFUSE DEGENERATION OF CEREBRAL GRAY MATTER WITH HEPATIC CIRRHOSIS; Alpers-Huttenlocher Syndrome. Identifiers: Orphanet 726, MedGen C0205710, MONDO:0008758, OMIM 203700.

Submission:

Labcorp Genetics (formerly Invitae), Labcorp
Classification: Uncertain significance for Progressive sclerosing poliodystrophy. Last evaluated: 2025-11-24. Review status: criteria provided, single submitter. Criteria: Invitae Variant Classification Sherloc (09022015). Collection method: clinical testing. Allele origin: germline.
Comment: This sequence change replaces tryptophan, which is neutral and slightly polar, with arginine, which is basic and polar, at codon 220 of the POLG protein (p.Trp220Arg). This variant is not present in population databases (gnomAD no frequency). This variant has not been reported in the literature in individuals affected with POLG-related conditions. An algorithm developed to predict the effect of missense changes on protein structure and function (PolyPhen-2) suggests that this variant is likely to be tolerated. In summary, the available evidence is currently insufficient to determine the role of this variant in disease. Therefore, it has been classified as a Variant of Uncertain Significance.